The following is an entry in ClinVar:

NM_001943.5(DSG2):c.697A>C (p.Ser233Arg)

Gene: DSG2 (desmoglein 2; plus strand). Cytogenetic location: 18q12.1.
Variant type: single nucleotide variant.
Coding change: c.697A>C on transcript NM_001943.5 (MANE Select); coding-DNA position 697, A replaced by C.
Protein change: p.Ser233Arg; replaces serine 233 with arginine.
Molecular consequence: missense variant.
Genome position (GRCh38, 1-based): chr18:31,524,454, A>C. VCF-style: chr18-31524454-A-C. GRCh37 (hg19) VCF-style: chr18-29104417-A-C.
Other names: short protein forms S233R.
Identifiers: ClinVar variation 927483 (VCV000927483.5), dbSNP rs2073148481, ClinGen allele CA402134842.
Genomic context (GRCh38, chr18:31,524,454, plus strand): 5'-CAGATGTAAGAGTGACTCTTTTCACCCAGCTGGACATTTTTCATTGCTCTGCAGGAACAC[A>C]GCAGCTACACTTTGACAGTAGAAGCAAGAGATGGCAATGGAGAAGTTACAGACAAACCTG-3'
Protein context (NP_001934.2, residues 223-243): TSVTLDREEH[Ser233Arg]SYTLTVEARD

ClinVar aggregate classification (germline): Uncertain significance (1 of 4 stars; one submission).

Conditions:
Cardiomyopathy (CMYO). Also called: Cardiomyopathies. Identifiers: Orphanet 167848, MedGen C0878544, MONDO:0004994, HP:0001638. Inheritance: Various modes of inheritance.

Submission:

Color Diagnostics, LLC DBA Color Health
Classification: Uncertain significance for Cardiomyopathy. Last evaluated: 2023-12-04. Review status: criteria provided, single submitter. Criteria: ACMG Guidelines, 2015. Collection method: clinical testing. Allele origin: germline.
Comment: This missense variant replaces serine with arginine at codon 233 of the DSG2 protein. Computational prediction tools and conservation analyses are inconclusive regarding the impact of this variant on the protein function. Computational splicing tools suggest that this variant may not impact RNA splicing. To our knowledge, functional assays have not been performed for this variant nor has this variant been reported in individuals affected with cardiovascular disorders in the literature. This variant has not been identified in the general population by the Genome Aggregation Database (gnomAD). Available evidence is insufficient to determine the role of this variant in disease conclusively. Therefore, this variant is classified as a Variant of Uncertain Significance.